The following is an entry in ClinVar:

NM_001042492.3(NF1):c.61-3C>T

Gene: NF1 (neurofibromin 1; plus strand). Cytogenetic location: 17q11.2.
Variant type: single nucleotide variant.
Coding change: c.61-3C>T on transcript NM_001042492.3 (MANE Select); 3 bases into the intron before coding-DNA position 61, C replaced by T.
Molecular consequence: intron variant.
Genome position (GRCh38, 1-based): chr17:31,155,980, C>T. VCF-style: chr17-31155980-C-T. GRCh37 (hg19) VCF-style: chr17-29482998-C-T.
Other names: c.61-3C>T (NM_000267.4, NM_001128147.3).
Identifiers: ClinVar variation 5025530 (VCV005025530.1).

ClinVar aggregate classification (germline): Uncertain significance (1 of 4 stars; one submission).

Conditions:
Cardiovascular phenotype. Identifiers: MedGen CN230736.
Hereditary cancer-predisposing syndrome. Also called: Neoplastic Syndromes, Hereditary; Tumor predisposition; Hereditary neoplastic syndrome; Hereditary Cancer Syndrome. Identifiers: Orphanet 140162, MedGen C0027672, MeSH D009386, MONDO:0015356.

Submission:

Ambry Genetics
Classification: Uncertain significance for Cardiovascular phenotype; Hereditary cancer-predisposing syndrome. Last evaluated: 2026-06-16. Review status: criteria provided, single submitter. Criteria: Ambry Variant Classification Scheme 2023. Collection method: clinical testing. Allele origin: germline.
Comment: The c.61-3C>T intronic variant results from a C to T substitution 3 nucleotides upstream from coding exon 2 in the NF1 gene. This nucleotide position is not well conserved in available vertebrate species. In silico splice site analysis predicts that this alteration will not have any significant effect on splicing. Based on the available evidence, the clinical significance of this variant remains unclear.